The following is an entry in ClinVar:

ClinVar aggregate classification (germline): Uncertain significance (1 of 4 stars; one submission).

Conditions:
RASopathy. Also called: rasopathies; Noonan spectrum disorder. Identifiers: Orphanet 536391, MedGen C5555857, MONDO:0021060.

Submission:

Labcorp Genetics (formerly Invitae), Labcorp
Classification: Uncertain significance for RASopathy. Last evaluated: 2025-07-22. Review status: criteria provided, single submitter. Criteria: Invitae Variant Classification Sherloc (09022015). Collection method: clinical testing. Allele origin: germline.
Comment: This sequence change replaces isoleucine, which is neutral and non-polar, with valine, which is neutral and non-polar, at codon 548 of the SHOC2 protein (p.Ile548Val). This variant is not present in population databases (gnomAD no frequency). This variant has not been reported in the literature in individuals affected with SHOC2-related conditions. Invitae Evidence Modeling of protein sequence and biophysical properties (such as structural, functional, and spatial information, amino acid conservation, physicochemical variation, residue mobility, and thermodynamic stability) indicates that this missense variant is not expected to disrupt SHOC2 protein function with a negative predictive value of 80%. In summary, the available evidence is currently insufficient to determine the role of this variant in disease. Therefore, it has been classified as a Variant of Uncertain Significance.

NM_007373.4(SHOC2):c.1642A>G (p.Ile548Val)

Gene: SHOC2 (SHOC2 leucine rich repeat scaffold protein; plus strand). Cytogenetic location: 10q25.2.
Variant type: single nucleotide variant.
Coding change: c.1642A>G on transcript NM_007373.4 (MANE Select); coding-DNA position 1642, A replaced by G.
Protein change: p.Ile548Val; replaces isoleucine 548 with valine.
Molecular consequence: missense variant. On other transcripts: 3 prime UTR variant (1), non-coding transcript variant (1).
Genome position (GRCh38, 1-based): chr10:111,011,711, A>G. VCF-style: chr10-111011711-A-G. GRCh37 (hg19) VCF-style: chr10-112771469-A-G.
Other names: c.1504A>G, p.Ile502Val (NM_001269039.3, NM_001441186.1); c.1642A>G, p.Ile548Val (NM_001324336.2, NM_001324337.2, NM_001441184.1 and 1 more transcripts); c.*84A>G (NM_001441187.1); c.973A>G, p.Ile325Val (NM_001441188.1); c.559A>G, p.Ile187Val (NM_001441189.1, NM_001441190.1, NM_001441191.1); short protein forms I502V, I325V, I548V, I187V.
Identifiers: ClinVar variation 4723601 (VCV004723601.1).